The following is an entry in ClinVar:

NM_002187.3(IL12B):c.115C>G (p.Pro39Ala)

Gene: IL12B (interleukin 12B; minus strand). Cytogenetic location: 5q33.3.
Variant type: single nucleotide variant.
Coding change: c.115C>G on transcript NM_002187.3 (MANE Select); coding-DNA position 115, C replaced by G.
Protein change: p.Pro39Ala; replaces proline 39 with alanine.
Molecular consequence: missense variant.
Genome position (GRCh38, 1-based): chr5:159,323,303, G>C on the plus strand (C>G on the coding strand, the complement: IL12B is on the minus strand). VCF-style: chr5-159323303-G-C. GRCh37 (hg19) VCF-style: chr5-158750311-G-C.
Other names: short protein forms P39A.
Identifiers: ClinVar variation 2162141 (VCV002162141.1), dbSNP rs779340279, ClinGen allele CA3538879.

ClinVar aggregate classification (germline): Uncertain significance (1 of 4 stars; one submission).

Conditions:
Mendelian susceptibility to mycobacterial diseases due to complete IL12B deficiency. Also called: IL12B DEFICIENCY; Immunodeficiency 29. Identifiers: Orphanet 319558, MedGen C4013948, MONDO:0013954, OMIM 614890.

Allele frequency attached by ClinVar (database versions not stated): gnomAD 0.00001; gnomAD exomes 0.00001; ExAC 0.00002; TOPMed 0.00004.
gnomAD v4.1: 10 of 1,613,966 alleles (0.00062%); highest among the groups gnomAD compares: African/African-American, 0.0027%; no homozygotes.

Submission:

Labcorp Genetics (formerly Invitae), Labcorp
Classification: Uncertain significance for Mendelian susceptibility to mycobacterial diseases due to complete IL12B deficiency. Last evaluated: 2022-05-25. Review status: criteria provided, single submitter. Criteria: Invitae Variant Classification Sherloc (09022015). Collection method: clinical testing. Allele origin: germline.
Comment: This sequence change replaces proline, which is neutral and non-polar, with alanine, which is neutral and non-polar, at codon 39 of the IL12B protein (p.Pro39Ala). This variant is present in population databases (rs779340279, gnomAD 0.007%). This variant has not been reported in the literature in individuals affected with IL12B-related conditions. Algorithms developed to predict the effect of missense changes on protein structure and function output the following: SIFT: "Tolerated"; PolyPhen-2: "Benign"; Align-GVGD: "Class C0". The alanine amino acid residue is found in multiple mammalian species, which suggests that this missense change does not adversely affect protein function. In summary, the available evidence is currently insufficient to determine the role of this variant in disease. Therefore, it has been classified as a Variant of Uncertain Significance.